The following is an entry in ClinVar:

NM_000334.4(SCN4A):c.2631T>A (p.Asp877Glu)

Genes: GH-LCR (growth hormone locus control region; plus strand), SCN4A (sodium voltage-gated channel alpha subunit 4; minus strand). Cytogenetic location: 17q23.3.
Variant type: single nucleotide variant.
Coding change: c.2631T>A on transcript NM_000334.4 (MANE Select); coding-DNA position 2631, T replaced by A.
Protein change: p.Asp877Glu; replaces aspartic acid 877 with glutamic acid.
Molecular consequence: missense variant.
Genome position (GRCh38, 1-based): chr17:63,951,646, A>T on the plus strand (T>A on the coding strand, the complement: SCN4A is on the minus strand). VCF-style: chr17-63951646-A-T. GRCh37 (hg19) VCF-style: chr17-62029006-A-T.
Other names: short protein forms D877E.
Identifiers: ClinVar variation 2414636 (VCV002414636.12), dbSNP rs79893125, ClinGen allele CA400626247.

ClinVar aggregate classification (germline): Uncertain significance (1 of 4 stars; one submission).

Conditions:
Hyperkalemic periodic paralysis. Also called: Familial hyperkalemic periodic paralysis; Gamstorp disease. Identifiers: Orphanet 682, MedGen C0238357, MONDO:0008224, OMIM 170500, HP:0007215.

gnomAD v4.1: 4 of 1,603,166 alleles (0.00025%); highest among the groups gnomAD compares: African/African-American, 0.0054%; no homozygotes.

Submission:

Labcorp Genetics (formerly Invitae), Labcorp
Classification: Uncertain significance for Hyperkalemic periodic paralysis. Last evaluated: 2022-09-20. Review status: criteria provided, single submitter. Criteria: Invitae Variant Classification Sherloc (09022015). Collection method: clinical testing. Allele origin: germline.
Comment: This sequence change replaces aspartic acid, which is acidic and polar, with glutamic acid, which is acidic and polar, at codon 877 of the SCN4A protein (p.Asp877Glu). This variant is not present in population databases (gnomAD no frequency). This variant has not been reported in the literature in individuals affected with SCN4A-related conditions. Advanced modeling of protein sequence and biophysical properties (such as structural, functional, and spatial information, amino acid conservation, physicochemical variation, residue mobility, and thermodynamic stability) performed at Invitae indicates that this missense variant is not expected to disrupt SCN4A protein function. In summary, the available evidence is currently insufficient to determine the role of this variant in disease. Therefore, it has been classified as a Variant of Uncertain Significance.